The following is an entry in ClinVar:

NM_139058.3(ARX):c.1073+4T>C

Gene: ARX (aristaless related homeobox; minus strand). Cytogenetic location: Xp21.3.
Variant type: single nucleotide variant.
Coding change: c.1073+4T>C on transcript NM_139058.3 (MANE Select); 4 bases into the intron after coding-DNA position 1073, T replaced by C.
Molecular consequence: intron variant.
Genome position (GRCh38, 1-based): chrX:25,012,918, A>G on the plus strand (T>C on the coding strand, the complement: ARX is on the minus strand). VCF-style: chrX-25012918-A-G. GRCh37 (hg19) VCF-style: chrX-25031035-A-G.
Identifiers: ClinVar variation 1475549 (VCV001475549.6), dbSNP rs1460686418, ClinGen allele CA2573158497.

ClinVar aggregate classification (germline): Uncertain significance (1 of 4 stars; one submission).

Conditions:
Developmental and epileptic encephalopathy, 1 (DEE1). Also called: X-linked infantile spasms; West's syndrome; Tonic spasms with clustering, arrest of psychomotor development and hypsarrhythmia on EEG; X-Linked Infantile Spasm Syndrome; OHTAHARA SYNDROME, X-LINKED; INFANTILE SPASM SYNDROME, X-LINKED 1. Identifiers: MedGen C3463992, MONDO:0010632, OMIM 308350. Disease mechanism: loss of function.
Intellectual disability, X-linked, with or without seizures, ARX-related. Also called: INTELLECTUAL DEVELOPMENTAL DISORDER, X-LINKED 29; Mental retardation, X-linked 52; MENTAL RETARDATION, X-LINKED 29; MENTAL RETARDATION, X-LINKED 32; MENTAL RETARDATION, X-LINKED 33; MENTAL RETARDATION, X-LINKED 38. Identifiers: Orphanet 777, MedGen C0796244, MONDO:0010317, OMIM 300419.

Submission:

Labcorp Genetics (formerly Invitae), Labcorp
Classification: Uncertain significance for Developmental and epileptic encephalopathy, 1; Intellectual disability, X-linked, with or without seizures, ARX-related. Last evaluated: 2022-03-22. Review status: criteria provided, single submitter. Criteria: Invitae Variant Classification Sherloc (09022015). Collection method: clinical testing. Allele origin: germline.
Comment: This sequence change falls in intron 2 of the ARX gene. It does not directly change the encoded amino acid sequence of the ARX protein. It affects a nucleotide within the consensus splice site. In summary, the available evidence is currently insufficient to determine the role of this variant in disease. Therefore, it has been classified as a Variant of Uncertain Significance. Variants that disrupt the consensus splice site are a relatively common cause of aberrant splicing (PMID: 17576681, 9536098). Algorithms developed to predict the effect of sequence changes on RNA splicing suggest that this variant is not likely to affect RNA splicing. This variant has not been reported in the literature in individuals affected with ARX-related conditions. This variant is not present in population databases (gnomAD no frequency).

Literature cited by the submitters: PubMed 17576681; PubMed 9536098.